The following is an entry in ClinVar:

NM_005271.5(GLUD1):c.757G>A (p.Ala253Thr)

Gene: GLUD1 (glutamate dehydrogenase 1; minus strand). Cytogenetic location: 10q23.2.
Variant type: single nucleotide variant.
Coding change: c.757G>A on transcript NM_005271.5 (MANE Select); coding-DNA position 757, G replaced by A.
Protein change: p.Ala253Thr; replaces alanine 253 with threonine.
Molecular consequence: missense variant.
Genome position (GRCh38, 1-based): chr10:87,062,820, C>T on the plus strand (G>A on the coding strand, the complement: GLUD1 is on the minus strand). VCF-style: chr10-87062820-C-T. GRCh37 (hg19) VCF-style: chr10-88822577-C-T.
Other names: c.358G>A, p.Ala120Thr (NM_001318900.1); c.256G>A, p.Ala86Thr (NM_001318901.1, NM_001318902.1, NM_001318904.2 and 2 more transcripts); short protein forms A120T, A253T, A86T.
Identifiers: ClinVar variation 2627436 (VCV002627436.1), dbSNP rs960420632, ClinGen allele CA211214561.

ClinVar aggregate classification (germline): Uncertain significance (1 of 4 stars; one submission).

Conditions:
Hyperinsulinism-hyperammonemia syndrome (HHF6). Identifiers: Orphanet 35878, MedGen C1847555, MONDO:0011717, OMIM 606762.

Allele frequency attached by ClinVar (database versions not stated): gnomAD exomes below 0.00001; TOPMed below 0.00001.
gnomAD v4.1: 4 of 1,613,950 alleles (0.00025%); highest among the groups gnomAD compares: African/African-American, 0.0013%; no homozygotes.

Submission:

Neuberg Centre For Genomic Medicine, NCGM
Classification: Uncertain significance for Hyperinsulinism-hyperammonemia syndrome. Review status: criteria provided, single submitter. Criteria: ACMG Guidelines, 2015. Collection method: clinical testing. Allele origin: germline. Inheritance: Autosomal dominant inheritance. Affected: yes.
Comment: The missense variant p.A253T in GLUD1 (NM_005271.5) has not been reported previously as a pathogenic variant nor as a benign variant, to our knowledge. The p.A253T variant is novel (not in any individuals) in gnomAD Exomes and is novel (not in any individuals) in 1000 Genomes. The p.A253T missense variant is predicted to be damaging by both SIFT and PolyPhen2. The alanine residue at codon 253 of GLUD1 is conserved in all mammalian species. The nucleotide c.757 in GLUD1 is predicted conserved by GERP++ and PhyloP across 100 vertebrates. For these reasons, this variant has been classified as Uncertain Significance.